The following is an entry in ClinVar:

ClinVar aggregate classification (germline): Uncertain significance (1 of 4 stars; one submission).

Allele frequency attached by ClinVar (database versions not stated): ExAC 0.00002; gnomAD exomes 0.00003; 1000 Genomes Project 30x 0.00016; 1000 Genomes Project 0.00020.
gnomAD v4.1: 30 of 1,613,734 alleles (0.0019%); highest among the groups gnomAD compares: East Asian, 0.0022%; no homozygotes.

Submission:

Labcorp Genetics (formerly Invitae), Labcorp
Classification: Uncertain significance. Last evaluated: 2025-07-29. Review status: criteria provided, single submitter. Criteria: Invitae Variant Classification Sherloc (09022015). Collection method: clinical testing. Allele origin: germline.
Comment: This sequence change replaces valine, which is neutral and non-polar, with isoleucine, which is neutral and non-polar, at codon 397 of the CACNA1D protein (p.Val397Ile). This variant is present in population databases (rs201881377, gnomAD 0.02%). This variant has not been reported in the literature in individuals affected with CACNA1D-related conditions. ClinVar contains an entry for this variant (Variation ID: 1502834). Invitae Evidence Modeling of protein sequence and biophysical properties (such as structural, functional, and spatial information, amino acid conservation, physicochemical variation, residue mobility, and thermodynamic stability) indicates that this missense variant is not expected to disrupt CACNA1D protein function with a negative predictive value of 80%. In summary, the available evidence is currently insufficient to determine the role of this variant in disease. Therefore, it has been classified as a Variant of Uncertain Significance.

NM_000720.4(CACNA1D):c.1189G>A (p.Val397Ile)

Gene: CACNA1D (calcium voltage-gated channel subunit alpha1 D; plus strand). Cytogenetic location: 3p21.1.
Variant type: single nucleotide variant.
Coding change: c.1189G>A on transcript NM_000720.4 (MANE Plus Clinical); coding-DNA position 1189, G replaced by A.
Protein change: p.Val397Ile; replaces valine 397 with isoleucine.
Molecular consequence: missense variant. On other transcripts: intron variant (2).
Genome position (GRCh38, 1-based): chr3:53,673,785, G>A. VCF-style: chr3-53673785-G-A. GRCh37 (hg19) VCF-style: chr3-53707812-G-A.
Other names: c.1220+659G>A (NM_001128840.3, NM_001128839.3); short protein forms V397I.
Identifiers: ClinVar variation 1502834 (VCV001502834.8), dbSNP rs201881377, ClinGen allele CA2453861.
Genomic context (GRCh38, chr3:53,673,785, plus strand): 5'-ATAGGATGGGAATGGCCATGGGTGTATTTTGTTAGTCTGATCATCCTTGGCTCATTTTTC[G>A]TCCTTAACCTGGTTCTTGGTGTCCTTAGTGGGTAAGCAGTCGGATCCGTGTTGCACCTTC-3'
Protein context (NP_000711.1, residues 387-407): VSLIILGSFF[Val397Ile]LNLVLGVLSG